The following is an entry in ClinVar:

ClinVar aggregate classification (germline): Uncertain significance. Review status: criteria provided, multiple submitters, no conflicts (2 of 4 stars). 3 submissions from 3 submitters: Uncertain significance (3). Last evaluated 2023-04-11.

Conditions:
Developmental and epileptic encephalopathy, 18 (DEE18). Also called: Early infantile epileptic encephalopathy 18. Identifiers: Orphanet 369894, MedGen C3809624, MONDO:0014201, OMIM 615476.

Allele frequency attached by ClinVar (database versions not stated): gnomAD exomes 0.00001 and 0.00002; TOPMed 0.00001; ExAC 0.00002; gnomAD 0.00004.
gnomAD v4.1: 29 of 1,243,090 alleles (0.0023%); highest among the groups gnomAD compares: African/African-American, 0.0031%; no homozygotes.

Submissions (3):

Genome-Nilou Lab
Classification: Uncertain significance for Developmental and epileptic encephalopathy, 18. Last evaluated: 2023-04-11. Review status: criteria provided, single submitter. Criteria: ACMG Guidelines, 2015. Collection method: clinical testing. Allele origin: germline. Affected: no.

Labcorp Genetics (formerly Invitae), Labcorp
Classification: Uncertain significance. Last evaluated: 2022-07-26. Review status: criteria provided, single submitter. Criteria: Invitae Variant Classification Sherloc (09022015). Collection method: clinical testing. Allele origin: germline.
Comment: This sequence change replaces threonine, which is neutral and polar, with alanine, which is neutral and non-polar, at codon 2565 of the SZT2 protein (p.Thr2565Ala). This variant is present in population databases (rs761294812, gnomAD 0.004%). This variant has not been reported in the literature in individuals affected with SZT2-related conditions. ClinVar contains an entry for this variant (Variation ID: 659327). Algorithms developed to predict the effect of missense changes on protein structure and function (SIFT, PolyPhen-2, Align-GVGD) all suggest that this variant is likely to be disruptive. In summary, the available evidence is currently insufficient to determine the role of this variant in disease. Therefore, it has been classified as a Variant of Uncertain Significance.

GeneDx
Classification: Uncertain significance. Last evaluated: 2021-12-14. Review status: criteria provided, single submitter. Criteria: GeneDx Variant Classification Process June 2021. Collection method: clinical testing. Allele origin: germline. Affected: yes.
Comment: Not observed at significant frequency in large population cohorts (gnomAD); In silico analysis supports that this missense variant does not alter protein structure/function; Has not been previously published as pathogenic or benign to our knowledge

NM_001365999.1(SZT2):c.7864A>G (p.Thr2622Ala)

Gene: SZT2 (SZT2 subunit of KICSTOR complex; plus strand). Cytogenetic location: 1p34.2.
Variant type: single nucleotide variant.
Coding change: c.7864A>G on transcript NM_001365999.1 (MANE Select); coding-DNA position 7864, A replaced by G.
Protein change: p.Thr2622Ala; replaces threonine 2622 with alanine.
Molecular consequence: missense variant.
Genome position (GRCh38, 1-based): chr1:43,442,121, A>G. VCF-style: chr1-43442121-A-G. GRCh37 (hg19) VCF-style: chr1-43907792-A-G.
Other names: c.7693A>G, p.Thr2565Ala (NM_015284.4); short protein forms T2622A, T2565A.
Identifiers: ClinVar variation 659327 (VCV000659327.8), dbSNP rs761294812, ClinGen allele CA810357.